The following is an entry in ClinVar:

ClinVar aggregate classification (germline): Uncertain significance (1 of 4 stars; one submission).

Conditions:
Rhabdoid tumor predisposition syndrome 2 (RTPS2). Identifiers: Orphanet 231108, Orphanet 69077, MedGen C2750074, MONDO:0013224, OMIM 613325.

Submission:

Labcorp Genetics (formerly Invitae), Labcorp
Classification: Uncertain significance for Rhabdoid tumor predisposition syndrome 2. Last evaluated: 2023-04-07. Review status: criteria provided, single submitter. Criteria: Invitae Variant Classification Sherloc (09022015). Collection method: clinical testing. Allele origin: germline.
Comment: In summary, the available evidence is currently insufficient to determine the role of this variant in disease. Therefore, it has been classified as a Variant of Uncertain Significance. Advanced modeling of protein sequence and biophysical properties (such as structural, functional, and spatial information, amino acid conservation, physicochemical variation, residue mobility, and thermodynamic stability) performed at Invitae indicates that this missense variant is not expected to disrupt SMARCA4 protein function. This variant has not been reported in the literature in individuals affected with SMARCA4-related conditions. This variant is not present in population databases (gnomAD no frequency). This sequence change replaces lysine, which is basic and polar, with arginine, which is basic and polar, at codon 584 of the SMARCA4 protein (p.Lys584Arg).

NM_003072.5(SMARCA4):c.1751A>G (p.Lys584Arg)

Gene: SMARCA4 (SWI/SNF related BAF chromatin remodeling complex subunit ATPase 4; plus strand). Cytogenetic location: 19p13.2.
Variant type: single nucleotide variant.
Coding change: c.1751A>G on transcript NM_003072.5 (MANE Select); coding-DNA position 1751, A replaced by G.
Protein change: p.Lys584Arg; replaces lysine 584 with arginine.
Molecular consequence: missense variant. On other transcripts: non-coding transcript variant (1).
Genome position (GRCh38, 1-based): chr19:10,996,370, A>G. VCF-style: chr19-10996370-A-G. GRCh37 (hg19) VCF-style: chr19-11107046-A-G.
Other names: c.1751A>G, p.Lys584Arg (NM_001128844.3, NM_001128845.2, NM_001128846.2 and 4 more transcripts); short protein forms K584R.
Identifiers: ClinVar variation 2830157 (VCV002830157.3), dbSNP rs2087041246, ClinGen allele CA404064616.